The following is an entry in ClinVar:

ClinVar aggregate classification (germline): Uncertain significance. Review status: criteria provided, multiple submitters, no conflicts (2 of 4 stars). 2 submissions from 2 submitters: Uncertain significance (2). Last evaluated 2025-07-25.

Conditions:
Hereditary cancer-predisposing syndrome. Also called: Hereditary Cancer Syndrome; Hereditary neoplastic syndrome; Neoplastic Syndromes, Hereditary; Tumor predisposition. Identifiers: Orphanet 140162, MedGen C0027672, MeSH D009386, MONDO:0015356.
Bloom syndrome (BLM). Also called: Bloom-Torre-Machacek syndrome. Identifiers: Orphanet 125, MedGen C0005859, MONDO:0008876, OMIM 210900.

Allele frequency attached by ClinVar (database versions not stated): gnomAD exomes 0.00001.
gnomAD v4.1: 13 of 1,614,190 alleles (0.00081%); highest among the groups gnomAD compares: Admixed American, 0.0017%; no homozygotes.

Submissions (2):

Labcorp Genetics (formerly Invitae), Labcorp
Classification: Uncertain significance for Bloom syndrome. Last evaluated: 2025-07-25. Review status: criteria provided, single submitter. Criteria: Invitae Variant Classification Sherloc (09022015). Collection method: clinical testing. Allele origin: germline.
Comment: This sequence change replaces threonine, which is neutral and polar, with alanine, which is neutral and non-polar, at codon 80 of the BLM protein (p.Thr80Ala). This variant is not present in population databases (gnomAD no frequency). This missense change has been observed in individual(s) with breast cancer (PMID: 23028338). ClinVar contains an entry for this variant (Variation ID: 454101). An algorithm developed to predict the effect of missense changes on protein structure and function outputs the following: PolyPhen-2: "Benign". The alanine amino acid residue is found in multiple mammalian species, which suggests that this missense change does not adversely affect protein function. In summary, the available evidence is currently insufficient to determine the role of this variant in disease. Therefore, it has been classified as a Variant of Uncertain Significance.

Ambry Genetics
Classification: Uncertain significance for Hereditary cancer-predisposing syndrome. Last evaluated: 2025-06-06. Review status: criteria provided, single submitter. Criteria: Ambry Variant Classification Scheme 2023. Collection method: clinical testing. Allele origin: germline.
Comment: The p.T80A variant (also known as c.238A>G), located in coding exon 2 of the BLM gene, results from an A to G substitution at nucleotide position 238. The threonine at codon 80 is replaced by alanine, an amino acid with similar properties. This alteration was identified in an individual from a high risk breast cancer family (Thompson ER et al. PLoS Genet, 2012 Sep;8:e1002894). This amino acid position is not well conserved in available vertebrate species. In addition, this alteration is predicted to be tolerated by in silico analysis. Since supporting evidence is limited at this time, the clinical significance of this alteration remains unclear.

Literature cited by the submitters: PubMed 23028338 (cited by Labcorp Genetics (formerly Invitae), Labcorp and Ambry Genetics).

NM_000057.4(BLM):c.238A>G (p.Thr80Ala)

Gene: BLM (BLM RecQ like helicase; plus strand). Cytogenetic location: 15q26.1.
Variant type: single nucleotide variant.
Coding change: c.238A>G on transcript NM_000057.4 (MANE Select); coding-DNA position 238, A replaced by G.
Protein change: p.Thr80Ala; replaces threonine 80 with alanine.
Molecular consequence: missense variant. On other transcripts: 5 prime UTR variant (1).
Genome position (GRCh38, 1-based): chr15:90,749,506, A>G. VCF-style: chr15-90749506-A-G. GRCh37 (hg19) VCF-style: chr15-91292736-A-G.
Other names: c.238A>G, p.Thr80Ala (NM_001287246.2, NM_001287247.2); c.-1054A>G (NM_001287248.2); short protein forms T80A.
Identifiers: ClinVar variation 454101 (VCV000454101.11), dbSNP rs1555418290, ClinGen allele CA393839908.